The following is an entry in ClinVar:

NM_017999.5(RNF31):c.1669G>T (p.Ala557Ser)

Gene: RNF31 (ring finger protein 31; plus strand). Cytogenetic location: 14q12.
Variant type: single nucleotide variant.
Coding change: c.1669G>T on transcript NM_017999.5 (MANE Select); coding-DNA position 1669, G replaced by T.
Protein change: p.Ala557Ser; replaces alanine 557 with serine.
Molecular consequence: missense variant.
Genome position (GRCh38, 1-based): chr14:24,151,311, G>T. VCF-style: chr14-24151311-G-T. GRCh37 (hg19) VCF-style: chr14-24620520-G-T.
Other names: c.1216G>T, p.Ala406Ser (NM_001310332.2); short protein forms A557S, A406S.
Identifiers: ClinVar variation 2891593 (VCV002891593.3), dbSNP rs1339818195, ClinGen allele CA389297560.

ClinVar aggregate classification (germline): Uncertain significance (1 of 4 stars; one submission).

Allele frequency attached by ClinVar (database versions not stated): gnomAD 0.00001.
gnomAD v4.1: 25 of 1,614,130 alleles (0.0015%); highest among the groups gnomAD compares: Non-Finnish European, 0.002%; no homozygotes.

Submission:

Labcorp Genetics (formerly Invitae), Labcorp
Classification: Uncertain significance. Last evaluated: 2023-08-10. Review status: criteria provided, single submitter. Criteria: Invitae Variant Classification Sherloc (09022015). Collection method: clinical testing. Allele origin: germline.
Comment: The frequency data for this variant in the population databases is considered unreliable, as metrics indicate poor data quality at this position in the gnomAD database. This sequence change replaces alanine, which is neutral and non-polar, with serine, which is neutral and polar, at codon 557 of the RNF31 protein (p.Ala557Ser). This variant has not been reported in the literature in individuals affected with RNF31-related conditions. In summary, the available evidence is currently insufficient to determine the role of this variant in disease. Therefore, it has been classified as a Variant of Uncertain Significance. An algorithm developed to predict the effect of missense changes on protein structure and function (PolyPhen-2) suggests that this variant is likely to be disruptive.